The following is an entry in ClinVar:

NM_004360.5(CDH1):c.2548T>C (p.Ser850Pro)

Gene: CDH1 (cadherin 1; plus strand). Cytogenetic location: 16q22.1.
Variant type: single nucleotide variant.
Coding change: c.2548T>C on transcript NM_004360.5 (MANE Select); coding-DNA position 2548, T replaced by C.
Protein change: p.Ser850Pro; replaces serine 850 with proline.
Molecular consequence: missense variant.
Genome position (GRCh38, 1-based): chr16:68,833,398, T>C. VCF-style: chr16-68833398-T-C. GRCh37 (hg19) VCF-style: chr16-68867301-T-C.
Other names: c.2548T>C (NM_004360.4); c.2365T>C, p.Ser789Pro (NM_001317184.2); c.1000T>C, p.Ser334Pro (NM_001317185.2); c.583T>C, p.Ser195Pro (NM_001317186.2); short protein forms S195P, S334P, S789P, S850P.
Identifiers: ClinVar variation 3224178 (VCV003224178.2), dbSNP rs2152144054, ClinGen allele CA396472398.
Genomic context (GRCh38, chr16:68,833,398, plus strand): 5'-CTGCTCGTGTTTGACTATGAAGGAAGCGGTTCCGAAGCTGCTAGTCTGAGCTCCCTGAAC[T>C]CCTCAGAGTCAGACAAAGACCAGGACTATGACTACTTGAACGAATGGGGCAATCGCTTCA-3'
Protein context (NP_004351.1, residues 840-860): SEAASLSSLN[Ser850Pro]SESDKDQDYD

ClinVar aggregate classification (germline): Uncertain significance. Review status: criteria provided, multiple submitters, no conflicts (2 of 4 stars). 2 submissions from 2 submitters: Uncertain significance (2). Last evaluated 2025-10-10.

Conditions:
Hereditary cancer-predisposing syndrome. Also called: Tumor predisposition; Hereditary neoplastic syndrome; Hereditary Cancer Syndrome; Neoplastic Syndromes, Hereditary. Identifiers: Orphanet 140162, MedGen C0027672, MeSH D009386, MONDO:0015356.

Submissions (2):

Quest Diagnostics Nichols Institute San Juan Capistrano
Classification: Uncertain significance. Last evaluated: 2025-10-10. Review status: criteria provided, single submitter. Criteria: Quest Diagnostics criteria. Collection method: clinical testing. Allele origin: unknown.
Comment: The CDH1 c.2548T>C (p.Ser850Pro) variant has not been reported in individuals with CDH1-related conditions in the published literature. This variant has not been reported in large, multi-ethnic general populations (Genome Aggregation Database). Analysis of this variant using bioinformatics tools for the prediction of the effect of amino acid changes on protein structure and function yielded predictions that this variant is damaging. Based on the available information, we are unable to determine the clinical significance of this variant.

Ambry Genetics
Classification: Uncertain significance for Hereditary cancer-predisposing syndrome. Last evaluated: 2023-11-18. Review status: criteria provided, single submitter. Criteria: Ambry Variant Classification Scheme 2023. Collection method: clinical testing. Allele origin: germline.
Comment: The p.S850P variant (also known as c.2548T>C), located in coding exon 16 of the CDH1 gene, results from a T to C substitution at nucleotide position 2548. The serine at codon 850 is replaced by proline, an amino acid with similar properties. This amino acid position is conserved. In addition, this alteration is predicted to be deleterious by in silico analysis. Since supporting evidence is limited at this time, the clinical significance of this alteration remains unclear.